The following is an entry in ClinVar:

NM_000391.4(TPP1):c.650G>T (p.Gly217Val)

Gene: TPP1 (tripeptidyl peptidase 1; minus strand). Cytogenetic location: 11p15.4.
Variant type: single nucleotide variant.
Coding change: c.650G>T on transcript NM_000391.4 (MANE Select); coding-DNA position 650, G replaced by T.
Protein change: p.Gly217Val; replaces glycine 217 with valine.
Molecular consequence: missense variant.
Genome position (GRCh38, 1-based): chr11:6,617,012, C>A on the plus strand (G>T on the coding strand, the complement: TPP1 is on the minus strand). VCF-style: chr11-6617012-C-A. GRCh37 (hg19) VCF-style: chr11-6638243-C-A.
Other names: short protein forms G217V.
Identifiers: ClinVar variation 1067869 (VCV001067869.9), dbSNP rs975304153, ClinGen allele CA217323401.

ClinVar aggregate classification (germline): Likely pathogenic (1 of 4 stars; one submission).

Allele frequency attached by ClinVar (database versions not stated): gnomAD exomes below 0.00001; TOPMed below 0.00001; gnomAD 0.00001.

Submission:

Labcorp Genetics (formerly Invitae), Labcorp
Classification: Likely pathogenic. Last evaluated: 2023-12-24. Review status: criteria provided, single submitter. Criteria: Invitae Variant Classification Sherloc (09022015). Collection method: clinical testing. Allele origin: germline.
Comment: This sequence change replaces glycine, which is neutral and non-polar, with valine, which is neutral and non-polar, at codon 217 of the TPP1 protein (p.Gly217Val). This variant is present in population databases (no rsID available, gnomAD 0.006%). This missense change has been observed in individual(s) with epilepsy and/or neuronal ceroid lipofuscinosis type 2 (PMID: 22245569, 34992632). ClinVar contains an entry for this variant (Variation ID: 1067869). Advanced modeling of protein sequence and biophysical properties (such as structural, functional, and spatial information, amino acid conservation, physicochemical variation, residue mobility, and thermodynamic stability) performed at Invitae indicates that this missense variant is expected to disrupt TPP1 protein function with a positive predictive value of 95%. In summary, the currently available evidence indicates that the variant is pathogenic, but additional data are needed to prove that conclusively. Therefore, this variant has been classified as Likely Pathogenic.

Literature cited by the submitters: PubMed 22245569; PubMed 34992632.